The following is an entry in ClinVar:

ClinVar aggregate classification (germline): Conflicting classifications of pathogenicity. Review status: criteria provided, conflicting classifications (1 of 4 stars). 4 submissions from 4 submitters: Uncertain significance (3); Likely benign (1). Last evaluated 2025-06-09.

Conditions:
Hereditary cancer-predisposing syndrome. Also called: Tumor predisposition; Hereditary neoplastic syndrome; Neoplastic Syndromes, Hereditary; Hereditary Cancer Syndrome. Identifiers: Orphanet 140162, MedGen C0027672, MeSH D009386, MONDO:0015356.
Multiple endocrine neoplasia, type 2 (MEN2). Identifiers: Orphanet 653, MedGen C4048306, MONDO:0019003. Disease mechanism: gain of function.
Hirschsprung disease, susceptibility to, 1 (HSCR1). Also called: RET-Related Hirschsprung Disease. Identifiers: Orphanet 388, MedGen C3888239, MONDO:0007723, OMIM 142623.

Allele frequency attached by ClinVar (database versions not stated): gnomAD exomes below 0.00001 and 0.00001; ExAC 0.00001; gnomAD 0.00001; TOPMed 0.00001.
gnomAD v4.1: 6 of 1,613,904 alleles (0.00037%); no homozygotes.

Submissions (4):

Color Diagnostics, LLC DBA Color Health
Classification: Uncertain significance for Multiple endocrine neoplasia, type 2. Last evaluated: 2025-06-09. Review status: criteria provided, single submitter. Criteria: ACMG Guidelines, 2015. Collection method: clinical testing. Allele origin: germline.
Comment: This missense variant replaces glutamic acid with aspartic acid at codon 480 of the RET protein. Computational prediction suggests that this variant may not impact protein structure and function. To our knowledge, functional studies have not been reported for this variant. This variant has not been reported in individuals affected with RET-related disorders in the literature. This variant has been identified in 2/251294 chromosomes in the general population by the Genome Aggregation Database (gnomAD). The available evidence is insufficient to determine the role of this variant in disease conclusively. Therefore, this variant is classified as a Variant of Uncertain Significance.

Ambry Genetics
Classification: Likely benign for Hereditary cancer-predisposing syndrome. Last evaluated: 2024-10-25. Review status: criteria provided, single submitter. Criteria: Ambry Variant Classification Scheme 2023. Collection method: clinical testing. Allele origin: germline.

Labcorp Genetics (formerly Invitae), Labcorp
Classification: Uncertain significance for Multiple endocrine neoplasia, type 2. Last evaluated: 2024-02-01. Review status: criteria provided, single submitter. Criteria: Invitae Variant Classification Sherloc (09022015). Collection method: clinical testing. Allele origin: germline.
Comment: This sequence change replaces glutamic acid, which is acidic and polar, with aspartic acid, which is acidic and polar, at codon 480 of the RET protein (p.Glu480Asp). This variant is present in population databases (rs763296134, gnomAD 0.02%). This variant has not been reported in the literature in individuals affected with RET-related conditions. ClinVar contains an entry for this variant (Variation ID: 845362). An algorithm developed to predict the effect of missense changes on protein structure and function (PolyPhen-2) suggests that this variant is likely to be tolerated. In summary, the available evidence is currently insufficient to determine the role of this variant in disease. Therefore, it has been classified as a Variant of Uncertain Significance.

Baylor Genetics
Classification: Uncertain significance for Hirschsprung disease, susceptibility to, 1. Last evaluated: 2023-10-11. Review status: criteria provided, single submitter. Criteria: ACMG Guidelines, 2015. Collection method: clinical testing. Allele origin: unknown.

NM_020975.6(RET):c.1440A>T (p.Glu480Asp)

Gene: RET (ret proto-oncogene; plus strand). Cytogenetic location: 10q11.21.
Variant type: single nucleotide variant.
Coding change: c.1440A>T on transcript NM_020975.6 (MANE Select); coding-DNA position 1440, A replaced by T.
Protein change: p.Glu480Asp; replaces glutamic acid 480 with aspartic acid.
Molecular consequence: missense variant.
Genome position (GRCh38, 1-based): chr10:43,111,383, A>T. VCF-style: chr10-43111383-A-T. GRCh37 (hg19) VCF-style: chr10-43606831-A-T.
Other names: c.1440A>T, p.Glu480Asp (NM_000323.2, NM_001406743.1, NM_001406744.1 and 6 more transcripts); c.678A>T, p.Glu226Asp (NM_001355216.2); c.1311A>T, p.Glu437Asp (NM_001406761.1, NM_001406762.1, NM_001406764.1 and 1 more transcripts); c.1152A>T, p.Glu384Asp (NM_001406766.1, NM_001406767.1, NM_001406770.1); c.1044A>T, p.Glu348Asp (NM_001406769.1, NM_001406772.1); c.1002A>T, p.Glu334Asp (NM_001406771.1, NM_001406773.1); c.915A>T, p.Glu305Asp (NM_001406774.1); c.714A>T, p.Glu238Asp (NM_001406775.1, NM_001406776.1, NM_001406777.1 and 1 more transcripts); and 1 more; short protein forms E226D, E480D, E238D, E150D, E348D, E437D, E305D, E334D.
Identifiers: ClinVar variation 845362 (VCV000845362.13), dbSNP rs763296134, ClinGen allele CA033633.